The following is an entry in ClinVar:

NM_004370.6(COL12A1):c.6652G>C (p.Asp2218His)

Gene: COL12A1 (collagen type XII alpha 1 chain; minus strand). Cytogenetic location: 6q13.
Variant type: single nucleotide variant.
Coding change: c.6652G>C on transcript NM_004370.6 (MANE Select); coding-DNA position 6652, G replaced by C.
Protein change: p.Asp2218His; replaces aspartic acid 2218 with histidine.
Molecular consequence: missense variant.
Genome position (GRCh38, 1-based): chr6:75,124,327, C>G on the plus strand (G>C on the coding strand, the complement: COL12A1 is on the minus strand). VCF-style: chr6-75124327-C-G. GRCh37 (hg19) VCF-style: chr6-75834043-C-G.
Other names: c.3160G>C, p.Asp1054His (NM_080645.3); short protein forms D2218H, D1054H.
Identifiers: ClinVar variation 576983 (VCV000576983.10), dbSNP rs374545461, ClinGen allele CA3892756.

ClinVar aggregate classification (germline): Uncertain significance. Review status: criteria provided, multiple submitters, no conflicts (2 of 4 stars). 2 submissions from 2 submitters: Uncertain significance (2). Last evaluated 2026-07-12.

Conditions:
COL12A1-related disorder. Also called: COL12A1-related condition.
Ullrich congenital muscular dystrophy 2 (UCMD2). Identifiers: Orphanet 75840, MedGen C4225314, MONDO:0014654, OMIM 616470.
Bethlem myopathy 2 (BTHLM2). Identifiers: Orphanet 536516, Orphanet 610, MedGen C4225313, MONDO:0034022, OMIM 616471.

Allele frequency attached by ClinVar (database versions not stated): ExAC 0.00001; gnomAD exomes 0.00001; TOPMed 0.00001; ESP Exome Variant Server 0.00008.
gnomAD v4.1: 55 of 1,613,070 alleles (0.0034%); highest among the groups gnomAD compares: Non-Finnish European, 0.0044%; no homozygotes.

Submissions (2):

PreventionGenetics, part of Exact Sciences
Classification: Uncertain significance for COL12A1-related condition. Last evaluated: 2026-07-12. Review status: criteria provided, single submitter. Criteria: ACMG Guidelines, 2015. Collection method: clinical testing. Allele origin: germline.
Comment: The COL12A1 c.6652G>C variant is predicted to result in the amino acid substitution p.Asp2218His. To our knowledge, this variant has not been reported in the literature. This variant is reported in 0.0018% of alleles in individuals of European (Non-Finnish) descent in gnomAD. At this time, the clinical significance of this variant is uncertain due to the absence of conclusive functional and genetic evidence.

Labcorp Genetics (formerly Invitae), Labcorp
Classification: Uncertain significance for Bethlem myopathy 2; Ullrich congenital muscular dystrophy 2. Last evaluated: 2025-04-30. Review status: criteria provided, single submitter. Criteria: Invitae Variant Classification Sherloc (09022015). Collection method: clinical testing. Allele origin: germline.
Comment: This sequence change replaces aspartic acid, which is acidic and polar, with histidine, which is basic and polar, at codon 2218 of the COL12A1 protein (p.Asp2218His). This variant is present in population databases (rs374545461, gnomAD 0.002%). This variant has not been reported in the literature in individuals affected with COL12A1-related conditions. ClinVar contains an entry for this variant (Variation ID: 576983). Invitae Evidence Modeling of protein sequence and biophysical properties (such as structural, functional, and spatial information, amino acid conservation, physicochemical variation, residue mobility, and thermodynamic stability) has been performed for this missense variant. However, the output from this modeling did not meet the statistical confidence thresholds required to predict the impact of this variant on COL12A1 protein function. In summary, the available evidence is currently insufficient to determine the role of this variant in disease. Therefore, it has been classified as a Variant of Uncertain Significance.